The following is an entry in ClinVar:

ClinVar aggregate classification (germline): Benign (3 of 4 stars; one submission).

Conditions:
Breast-ovarian cancer, familial, susceptibility to, 1 (BROVCA1). Also called: BRCA1 Hereditary Breast and Ovarian Cancer; OVARIAN CANCER, SUSCEPTIBILITY TO. Identifiers: Orphanet 145, MedGen C2676676, MONDO:0011450, OMIM 604370. Disease mechanism: loss of function.

Allele frequency attached by ClinVar (database versions not stated): gnomAD 0.00127 and 0.00151; TOPMed 0.00127; 1000 Genomes Project 0.00240.
gnomAD v4.1: 225 of 151,516 alleles (0.15%); highest among the groups gnomAD compares: East Asian, 1%; 1 homozygote.

Submission:

Evidence-based Network for the Interpretation of Germline Mutant Alleles (ENIGMA)
Classification: Benign for Breast-ovarian cancer, familial 1. Last evaluated: 2015-01-12. Review status: reviewed by expert panel. Criteria: ENIGMA BRCA1/2 Classification Criteria (2015). Collection method: curation. Allele origin: germline.
Comment: Class 1 not pathogenic based on frequency >1% in an outbred sampleset. Frequency 0.01049 (Asian), derived from 1000 genomes (2012-04-30).

NM_007294.4(BRCA1):c.670+256T>G

Gene: BRCA1 (BRCA1 DNA repair associated; minus strand). Cytogenetic location: 17q21.31.
Variant type: single nucleotide variant.
Coding change: c.670+256T>G on transcript NM_007294.4 (MANE Select); 256 bases into the intron after coding-DNA position 670, T replaced by G.
Molecular consequence: intron variant.
Genome position (GRCh38, 1-based): chr17:43,095,590, A>C on the plus strand (T>G on the coding strand, the complement: BRCA1 is on the minus strand). VCF-style: chr17-43095590-A-C. GRCh37 (hg19) VCF-style: chr17-41247607-A-C.
Other names: IVS 10+256T>G; c.526+256T>G (NM_001407745.1, NM_001407746.1, NM_001408464.1 and 26 more transcripts); c.407-730T>G (NM_001407922.1, NM_001408498.1, NM_001407928.1 and 15 more transcripts); c.529+256T>G (NM_001408469.1, NM_001408453.1, NM_001407737.1 and 43 more transcripts); c.460+256T>G (NM_001407886.1, NM_001407881.1, NM_001408506.1 and 27 more transcripts); c.545-730T>G (NM_001407686.1, NM_001408446.1, NM_001408435.1 and 20 more transcripts); c.667+256T>G (NM_001408397.1, NM_001407632.1, NM_001407613.1 and 41 more transcripts); c.548-730T>G (NM_001408436.1, NM_001407665.1, NM_001408444.1 and 34 more transcripts); and 18 more.
Identifiers: ClinVar variation 209448 (VCV000209448.2), dbSNP rs182524124, ClinGen allele CA276419.
Genomic context (GRCh38, chr17:43,095,590, plus strand): 5'-CAAGATTGCATCACTGCACTCCAGCCTGGGCAACAGAGTGAGACCCCATCTCAAAAAAAA[A>C]CAAACAAACAAACAAAAAAAAAAACGAAAGGGCAACAATCAGTTACAGAAGGTCTTATTA-3'